The following is an entry in ClinVar:

NM_005422.4(TECTA):c.5206G>A (p.Ala1736Thr)

Genes: TBCEL-TECTA (TBCEL-TECTA readthrough; plus strand), TECTA (tectorin alpha; plus strand). Cytogenetic location: 11q23.3.
Variant type: single nucleotide variant.
Coding change: c.5206G>A on transcript NM_005422.4 (MANE Select); coding-DNA position 5206, G replaced by A.
Protein change: p.Ala1736Thr; replaces alanine 1736 with threonine.
Molecular consequence: missense variant.
Genome position (GRCh38, 1-based): chr11:121,162,304, G>A. VCF-style: chr11-121162304-G-A. GRCh37 (hg19) VCF-style: chr11-121033013-G-A.
Other names: c.6148G>A, p.Ala2050Thr (NM_001378761.1); short protein forms A1736T, A2050T.
Identifiers: ClinVar variation 1700422 (VCV001700422.5), dbSNP rs144946579, ClinGen allele CA6327668.

ClinVar aggregate classification (germline): Conflicting classifications of pathogenicity. Review status: criteria provided, conflicting classifications (1 of 4 stars). 3 submissions from 3 submitters: Uncertain significance (2); Likely benign (1). Last evaluated 2025-06-12.

Conditions:
TECTA-related disorder. Also called: TECTA-related condition.

Allele frequency attached by ClinVar (database versions not stated): gnomAD 0.00001 and 0.00004; TOPMed 0.00005; gnomAD exomes 0.00013 and 0.00015; ExAC 0.00017; 1000 Genomes Project 30x 0.00062; 1000 Genomes Project 0.00080.
gnomAD v4.1: 189 of 1,613,302 alleles (0.012%); highest among the groups gnomAD compares: East Asian, 0.37%; no homozygotes.

Submissions (3):

Women's Health and Genetics/Laboratory Corporation of America, LabCorp
Classification: Uncertain significance. Last evaluated: 2025-06-12. Review status: criteria provided, single submitter. Criteria: LabCorp Variant Classification Summary - May 2015. Collection method: clinical testing. Allele origin: germline.
Comment: Variant summary: TECTA c.5206G>A (p.Ala1736Thr) results in a non-conservative amino acid change in the encoded protein sequence. Algorithms developed to predict the effect of missense changes on protein structure and function are either unavailable or do not agree on the potential impact of this missense change. The variant allele was found at a frequency of 0.00015 in 249596 control chromosomes in the gnomAD database, including one homozygote. This frequency is not significantly higher than estimated for a pathogenic variant in TECTA causing Deafness, Autosomal Recessive 21, allowing no conclusion about variant significance. c.5206G>A has been observed in individual affected with hearing loss (Gu_2014, Moteki_2015). These data do not allow any conclusion about variant significance. To our knowledge, no experimental evidence demonstrating an impact on protein function has been reported. The following publications have been ascertained in the context of this evaluation (PMID: 24853665, 26346818). ClinVar contains an entry for this variant (Variation ID: 1700422). Based on the evidence outlined above, the variant was classified as uncertain significance.

PreventionGenetics, part of Exact Sciences
Classification: Likely benign for TECTA-related condition. Last evaluated: 2024-10-26. Review status: criteria provided, single submitter. Criteria: ACMG Guidelines, 2015. Collection method: clinical testing. Allele origin: germline.
Comment: This variant is classified as likely benign based on ACMG/AMP sequence variant interpretation guidelines (Richards et al. 2015 PMID: 25741868, with internal and published modifications).

GeneDx
Classification: Uncertain significance. Last evaluated: 2023-05-08. Review status: criteria provided, single submitter. Criteria: GeneDx Variant Classification Process June 2021. Collection method: clinical testing. Allele origin: germline. Affected: yes.
Comment: Observed with a second TECTA variant in a patient with hearing loss in published literature (Gu et al., 2015); In silico analysis supports that this missense variant does not alter protein structure/function; This variant is associated with the following publications: (PMID: 24853665)

Literature cited by the submitters: PubMed 26346818 (cited by Women's Health and Genetics/Laboratory Corporation of America, LabCorp); PubMed 24853665 (cited by Women's Health and Genetics/Laboratory Corporation of America, LabCorp).